The following is an entry in ClinVar:

NM_001127511.3(APC):c.165G>C (p.Gln55His)

Gene: APC (APC regulator of Wnt signaling pathway; plus strand). Cytogenetic location: 5q22.2.
Variant type: single nucleotide variant.
Coding change: c.165G>C on transcript NM_001127511.3; coding-DNA position 165, G replaced by C.
Protein change: p.Gln55His; replaces glutamine 55 with histidine.
Molecular consequence: missense variant. On other transcripts: 5 prime UTR variant (8), non-coding transcript variant (1), intron variant (5).
Genome position (GRCh38, 1-based): chr5:112,707,882, G>C. VCF-style: chr5-112707882-G-C. GRCh37 (hg19) VCF-style: chr5-112043579-G-C.
Other names: c.-19G>C (NM_001354895.2, NM_001407447.1, NM_001407452.1 and 3 more transcripts); c.165G>C, p.Gln55His (NM_001354897.2, NM_001354902.2, NM_001407446.1); c.-1054G>C (NM_001407470.1, NM_001407472.1); c.-19+233G>C (NM_001407448.1, NM_001407450.1, NM_001407457.1 and 1 more transcripts); c.-43+233G>C (NM_001407453.1); short protein forms Q55H.
Identifiers: ClinVar variation 1042698 (VCV001042698.10), dbSNP rs1369553472, ClinGen allele CA360612233.

ClinVar aggregate classification (germline): Uncertain significance (1 of 4 stars; one submission).

Conditions:
Familial adenomatous polyposis 1 (FAP1). Also called: FAMILIAL ADENOMATOUS POLYPOSIS 1, ATTENUATED; POLYPOSIS, ADENOMATOUS INTESTINAL. Identifiers: MedGen C2713442, MONDO:0021056, OMIM 175100. Disease mechanism: loss of function.

Allele frequency attached by ClinVar (database versions not stated): gnomAD exomes below 0.00001; TOPMed below 0.00001.

Submission:

Labcorp Genetics (formerly Invitae), Labcorp
Classification: Uncertain significance for Familial adenomatous polyposis 1. Last evaluated: 2025-09-27. Review status: criteria provided, single submitter. Criteria: Invitae Variant Classification Sherloc (09022015). Collection method: clinical testing. Allele origin: germline.
Comment: This variant occurs in a non-coding region of the APC gene. It does not change the encoded amino acid sequence of the APC protein. This variant is not present in population databases (gnomAD no frequency). This variant has not been reported in the literature in individuals affected with APC-related conditions. Experimental studies and prediction algorithms are not available or were not evaluated, and the functional significance of this variant is currently unknown. In summary, the available evidence is currently insufficient to determine the role of this variant in disease. Therefore, it has been classified as a Variant of Uncertain Significance.